The following is an entry in ClinVar:

ClinVar aggregate classification (germline): Pathogenic (1 of 4 stars; one submission).

Conditions:
Neurofibromatosis, type 1 (NF1). Also called: VON RECKLINGHAUSEN DISEASE; NEUROFIBROMATOSIS, TYPE I, SOMATIC; Peripheral type neurofibromatosis; Neurofibromatosis, type I. Identifiers: Orphanet 636, MedGen C0027831, MONDO:0018975, OMIM 162200. Disease mechanism: loss of function.

Submission:

Labcorp Genetics (formerly Invitae), Labcorp
Classification: Pathogenic for Neurofibromatosis, type 1. Last evaluated: 2024-03-09. Review status: criteria provided, single submitter. Criteria: Invitae Variant Classification Sherloc (09022015). Collection method: clinical testing. Allele origin: germline.
Comment: This variant results in the deletion of part of exon 36 (c.5205_5205+4del) of the NF1 gene. It is expected to disrupt RNA splicing. Variants that disrupt the donor or acceptor splice site typically lead to a loss of protein function (PMID: 16199547), and loss-of-function variants in NF1 are known to be pathogenic (PMID: 10712197, 23913538). This variant is not present in population databases (gnomAD no frequency). This variant has been observed in individual(s) with neurofibromatosis type 1 (PMID: 10090487). Algorithms developed to predict the effect of sequence changes on RNA splicing suggest that this variant may disrupt the consensus splice site. For these reasons, this variant has been classified as Pathogenic.

Literature cited by the submitters: PubMed 16199547; PubMed 10712197; PubMed 23913538; PubMed 10090487.

NM_001042492.3(NF1):c.5268_5268+4del

Gene: NF1 (neurofibromin 1; plus strand). Cytogenetic location: 17q11.2.
Variant type: Deletion.
Coding change: c.5268_5268+4del on transcript NM_001042492.3 (MANE Select); coding-DNA position 5268 through 4 bases into the intron after coding-DNA position 5268, 5 bases deleted (AGTAA; older notation c.5268_5268+4delAGTAA).
Molecular consequence: splice donor variant.
Genome position (GRCh38, 1-based): chr17:31,326,252-31,326,256, AGTAA deleted; deleting any 5 consecutive bases within chr17:31,326,249-31,326,256 gives the same sequence; the c. name uses the placement nearest the transcript's 3' end. VCF-style (leftmost placement, unchanged base first): chr17-31326248-TTAAAG-T. GRCh37 (hg19) VCF-style: chr17-29653266-TTAAAG-T.
Other names: c.5205_5205+4del (NM_000267.4).
Identifiers: ClinVar variation 3722682 (VCV003722682.2).